The following is an entry in ClinVar:

NM_000168.6(GLI3):c.1525G>A (p.Glu509Lys)

Gene: GLI3 (GLI family zinc finger 3; minus strand). Cytogenetic location: 7p14.1.
Variant type: single nucleotide variant.
Coding change: c.1525G>A on transcript NM_000168.6 (MANE Select); coding-DNA position 1525, G replaced by A.
Protein change: p.Glu509Lys; replaces glutamic acid 509 with lysine.
Molecular consequence: missense variant.
Genome position (GRCh38, 1-based): chr7:41,978,721, C>T on the plus strand (G>A on the coding strand, the complement: GLI3 is on the minus strand). VCF-style: chr7-41978721-C-T. GRCh37 (hg19) VCF-style: chr7-42018320-C-T.
Other names: short protein forms E509K.
Identifiers: ClinVar variation 1313978 (VCV001313978.7), dbSNP rs761808583, ClinGen allele CA4230811.

ClinVar aggregate classification (germline): Uncertain significance. Review status: criteria provided, multiple submitters, no conflicts (2 of 4 stars). 3 submissions from 3 submitters: Uncertain significance (3). Last evaluated 2026-01-21.

Conditions:
Polydactyly, postaxial, type A1. Identifiers: MedGen C4282400, MONDO:0008266, OMIM 174200.
Pallister-Hall syndrome (PHS). Also called: GLI3-Related Pallister-Hall Syndrome; HYPOTHALAMIC HAMARTOBLASTOMA, HYPOPITUITARISM, IMPERFORATE ANUS, AND POSTAXIAL POLYDACTYLY. Identifiers: Orphanet 672, MedGen C0265220, MONDO:0007804, OMIM 146510.
Greig cephalopolysyndactyly syndrome (GCPS). Also called: Greig syndrome; GLI3-Related Greig Cephalopolysyndactyly Syndrome; POLYSYNDACTYLY WITH PECULIAR SKULL SHAPE. Identifiers: Orphanet 380, MedGen C0265306, MONDO:0008287, OMIM 175700.
Polysyndactyly 4. Also called: Polysyndactyly uncomplicated; Preaxial polydactyly 4. Identifiers: Orphanet 93338, MedGen C1868111, MONDO:0008272, OMIM 174700.
Inborn genetic diseases. Identifiers: MedGen C0950123, MeSH D030342.

Allele frequency attached by ClinVar (database versions not stated): ExAC 0.00001; gnomAD 0.00001; TOPMed 0.00002; 1000 Genomes Project 30x 0.00016.

Submissions (3):

Ambry Genetics
Classification: Uncertain significance for Inborn genetic diseases. Last evaluated: 2026-01-21. Review status: criteria provided, single submitter. Criteria: Ambry Variant Classification Scheme 2023. Collection method: clinical testing. Allele origin: germline.
Comment: The c.1525G>A (p.E509K) alteration is located in exon 11 (coding exon 10) of the GLI3 gene. This alteration results from a G to A substitution at nucleotide position 1525, causing the glutamic acid (E) at amino acid position 509 to be replaced by a lysine (K). Based on data from gnomAD, the A allele has an overall frequency of <0.001% (1/251432) total alleles studied. The highest observed frequency was 0.001% (1/113722) of European (non-Finnish) alleles. Based on insufficient or conflicting evidence, the clinical significance of this alteration remains unclear.

GeneDx
Classification: Uncertain significance. Last evaluated: 2022-06-16. Review status: criteria provided, single submitter. Criteria: GeneDx Variant Classification Process June 2021. Collection method: clinical testing. Allele origin: germline. Affected: yes.
Comment: In silico analysis supports that this missense variant has a deleterious effect on protein structure/function; Has not been previously published as pathogenic or benign to our knowledge

Fulgent Genetics
Classification: Uncertain significance for Pallister-Hall syndrome; Polydactyly, postaxial, type A1; Polysyndactyly 4; Greig cephalopolysyndactyly syndrome. Last evaluated: 2022-03-29. Review status: criteria provided, single submitter. Criteria: ACMG Guidelines, 2015. Collection method: clinical testing. Allele origin: unknown.